The following is an entry in ClinVar:

ClinVar aggregate classification (germline): Uncertain significance (1 of 4 stars; one submission).

Conditions:
Neurofibromatosis, type 1 (NF1). Also called: Peripheral type neurofibromatosis; Neurofibromatosis, type I; VON RECKLINGHAUSEN DISEASE; NEUROFIBROMATOSIS, TYPE I, SOMATIC. Identifiers: Orphanet 636, MedGen C0027831, MONDO:0018975, OMIM 162200. Disease mechanism: loss of function.

Submission:

Labcorp Genetics (formerly Invitae), Labcorp
Classification: Uncertain significance for Neurofibromatosis, type 1. Last evaluated: 2022-08-31. Review status: criteria provided, single submitter. Criteria: Invitae Variant Classification Sherloc (09022015). Collection method: clinical testing. Allele origin: germline.
Comment: In summary, the available evidence is currently insufficient to determine the role of this variant in disease. Therefore, it has been classified as a Variant of Uncertain Significance. Algorithms developed to predict the effect of sequence changes on RNA splicing suggest that this variant may create or strengthen a splice site. Advanced modeling of protein sequence and biophysical properties (such as structural, functional, and spatial information, amino acid conservation, physicochemical variation, residue mobility, and thermodynamic stability) performed at Invitae indicates that this missense variant is expected to disrupt NF1 protein function. ClinVar contains an entry for this variant (Variation ID: 1053270). This variant has not been reported in the literature in individuals affected with NF1-related conditions. This variant is not present in population databases (gnomAD no frequency). This sequence change replaces alanine, which is neutral and non-polar, with glycine, which is neutral and non-polar, at codon 1462 of the NF1 protein (p.Ala1462Gly).

NM_001042492.3(NF1):c.4448C>G (p.Ala1483Gly)

Gene: NF1 (neurofibromin 1; plus strand). Cytogenetic location: 17q11.2.
Variant type: single nucleotide variant.
Coding change: c.4448C>G on transcript NM_001042492.3 (MANE Select); coding-DNA position 4448, C replaced by G.
Protein change: p.Ala1483Gly; replaces alanine 1483 with glycine.
Molecular consequence: missense variant.
Genome position (GRCh38, 1-based): chr17:31,260,386, C>G. VCF-style: chr17-31260386-C-G. GRCh37 (hg19) VCF-style: chr17-29587404-C-G.
Other names: c.4385C>G, p.Ala1462Gly (NM_000267.4); short protein forms A1462G, A1483G.
Identifiers: ClinVar variation 1053270 (VCV001053270.5), dbSNP rs564989006, ClinGen allele CA398999219.